The following is an entry in ClinVar:

ClinVar aggregate classification (germline): Pathogenic (1 of 4 stars; one submission).

Conditions:
Succinate-semialdehyde dehydrogenase deficiency (SSADHD). Also called: Succinic Semialdehyde Dehydrogenase Deficiency; SSADH DEFICIENCY; 4-HYDROXYBUTYRIC ACIDURIA; GABA METABOLIC DEFECT. Identifiers: Orphanet 22, MedGen C0268631, MONDO:0010083, OMIM 271980.

Submission:

Elsea Laboratory, Baylor College of Medicine
Classification: Pathogenic for Succinate-semialdehyde dehydrogenase deficiency. Last evaluated: 2024-05-13. Review status: criteria provided, single submitter. Criteria: ACMG Guidelines, 2015. Collection method: clinical testing. Allele origin: germline. Affected: yes.
Comment: The c.768_784del p.(Ile257GlufsTer12) variant in the ALDH5A1 gene,is located in exon 5 and is predicted to result in frameshift and nonsense mediated mRNA decay. This variant has been observed in homozygosity in one individual affected with succinic semialdehyde dehyrdogenase deficiency (Glinton, Gijavanekar et al., 2024, Frontiers in Neurogenomics). This variant is absent in gnomAD. Therefore, this variant is classified as pathogenic. ACMG variant classification evidence codes: PVS1+PM2Supp+PM3Supp+PP4

NM_001080.3(ALDH5A1):c.768_784del (p.Ile257fs)

Gene: ALDH5A1 (aldehyde dehydrogenase 5 family member A1; plus strand). Cytogenetic location: 6p22.3.
Variant type: Deletion.
Coding change: c.768_784del on transcript NM_001080.3 (MANE Select); coding-DNA positions 768 to 784, 17 bases deleted (TATTCCCTGTTCTCGAA).
Protein change: p.Ile257fs; shifts the reading frame from isoleucine 257.
Molecular consequence: frameshift variant. On other transcripts: intron variant (1).
Genome position (GRCh38, 1-based): chr6:24,515,208-24,515,224, TATTCCCTGTTCTCGAA deleted. VCF-style (leftmost placement, unchanged base first): chr6-24515207-TTATTCCCTGTTCTCGAA-T. GRCh37 (hg19) VCF-style: chr6-24515435-TTATTCCCTGTTCTCGAA-T.
Other names: c.807_823del, p.Ile270fs (NM_170740.1); c.727-5193_727-5177del (NM_001368954.1); short protein forms I257fs, I270fs.
Identifiers: ClinVar variation 3236166 (VCV003236166.1), dbSNP rs2532855033, ClinGen allele CA2825001458.